The following is an entry in ClinVar:

NM_144687.4(NLRP12):c.1450C>T (p.His484Tyr)

Gene: NLRP12 (NLR family pyrin domain containing 12; minus strand). Cytogenetic location: 19q13.42.
Variant type: single nucleotide variant.
Coding change: c.1450C>T on transcript NM_144687.4 (MANE Select); coding-DNA position 1450, C replaced by T.
Protein change: p.His484Tyr; replaces histidine 484 with tyrosine.
Molecular consequence: missense variant.
Genome position (GRCh38, 1-based): chr19:53,810,209, G>A on the plus strand (C>T on the coding strand, the complement: NLRP12 is on the minus strand). VCF-style: chr19-53810209-G-A. GRCh37 (hg19) VCF-style: chr19-54313463-G-A.
Other names: c.1450C>T (NM_144687.2); c.1450C>T, p.His484Tyr (NM_001277126.2, NM_001277129.1); short protein forms H484Y.
Identifiers: ClinVar variation 1365978 (VCV001365978.8), dbSNP rs2122665361, ClinGen allele CA407413495.

ClinVar aggregate classification (germline): Uncertain significance. Review status: criteria provided, multiple submitters, no conflicts (2 of 4 stars). 2 submissions from 2 submitters: Uncertain significance (2). Last evaluated 2026-01-12.

Conditions:
Inborn genetic diseases. Identifiers: MedGen C0950123, MeSH D030342.
Familial cold autoinflammatory syndrome 2 (FCAS2). Identifiers: Orphanet 247868, MedGen C2673198, MONDO:0012724, OMIM 611762.

gnomAD v4.1: 1 of 1,614,200 alleles (0.000062%); highest among the groups gnomAD compares: African/African-American, 0.0013%; no homozygotes.

Submissions (2):

Labcorp Genetics (formerly Invitae), Labcorp
Classification: Uncertain significance for Familial cold autoinflammatory syndrome 2. Last evaluated: 2026-01-12. Review status: criteria provided, single submitter. Criteria: Invitae Variant Classification Sherloc (09022015). Collection method: clinical testing. Allele origin: germline.
Comment: This sequence change replaces histidine, which is basic and polar, with tyrosine, which is neutral and polar, at codon 484 of the NLRP12 protein (p.His484Tyr). This variant is not present in population databases (gnomAD no frequency). This variant has not been reported in the literature in individuals affected with NLRP12-related conditions. ClinVar contains an entry for this variant (Variation ID: 1365978). Invitae Evidence Modeling of protein sequence and biophysical properties (such as structural, functional, and spatial information, amino acid conservation, physicochemical variation, residue mobility, and thermodynamic stability) indicates that this missense variant is not expected to disrupt NLRP12 protein function with a negative predictive value of 80%. In summary, the available evidence is currently insufficient to determine the role of this variant in disease. Therefore, it has been classified as a Variant of Uncertain Significance.

Ambry Genetics
Classification: Uncertain significance for Inborn genetic diseases. Last evaluated: 2024-02-02. Review status: criteria provided, single submitter. Criteria: Ambry Variant Classification Scheme 2023. Collection method: clinical testing. Allele origin: germline.